The following is an entry in ClinVar:

ClinVar aggregate classification (germline): Uncertain significance. Review status: criteria provided, multiple submitters, no conflicts (2 of 4 stars). 5 submissions from 5 submitters: Uncertain significance (5). Last evaluated 2025-09-14.

Conditions:
Carney complex, type 1 (CNC1). Also called: CARNEY MYXOMA-ENDOCRINE COMPLEX; CARNEY COMPLEX, TYPE I. Identifiers: Orphanet 1359, MedGen C2607929, MONDO:0008057, OMIM 160980.
Hereditary cancer-predisposing syndrome. Also called: Hereditary Cancer Syndrome; Hereditary neoplastic syndrome; Tumor predisposition; Neoplastic Syndromes, Hereditary. Identifiers: Orphanet 140162, MedGen C0027672, MeSH D009386, MONDO:0015356.
Familial atrial myxoma. Identifiers: Orphanet 615, MedGen C2931787, MONDO:0009719, OMIM 255960.
Pigmented nodular adrenocortical disease, primary, 1 (PPNAD1). Also called: CUSHING SYNDROME, ADRENAL, DUE TO PPNAD1; ADRENOCORTICAL NODULAR DYSPLASIA, PRIMARY; PIGMENTED MICRONODULAR ADRENOCORTICAL DISEASE, PRIMARY, 1. Identifiers: Orphanet 189439, MedGen C1864846, MONDO:0012509, OMIM 610489.
Acrodysostosis 1 with or without hormone resistance (ACRDYS1). Also called: ACRODYSOSTOSIS WITH HORMONE RESISTANCE; ACRODYSOSTOSIS 1 WITH HORMONE RESISTANCE; ACRODYSOSTOSIS 1 WITHOUT HORMONE RESISTANCE. Identifiers: Orphanet 280651, MedGen C3276228, MONDO:0007044, OMIM 101800.

gnomAD v4.1: 4 of 1,613,470 alleles (0.00025%); highest among the groups gnomAD compares: Middle Eastern, 0.018%; no homozygotes.

Submissions (5):

Labcorp Genetics (formerly Invitae), Labcorp
Classification: Uncertain significance for Carney complex, type 1. Last evaluated: 2025-09-14. Review status: criteria provided, single submitter. Criteria: Invitae Variant Classification Sherloc (09022015). Collection method: clinical testing. Allele origin: germline.
Comment: This sequence change replaces serine, which is neutral and polar, with glycine, which is neutral and non-polar, at codon 9 of the PRKAR1A protein (p.Ser9Gly). This variant is not present in population databases (gnomAD no frequency). This variant has not been reported in the literature in individuals affected with PRKAR1A-related conditions. ClinVar contains an entry for this variant (Variation ID: 638955). Invitae Evidence Modeling of protein sequence and biophysical properties (such as structural, functional, and spatial information, amino acid conservation, physicochemical variation, residue mobility, and thermodynamic stability) indicates that this missense variant is not expected to disrupt PRKAR1A protein function with a negative predictive value of 95%. In summary, the available evidence is currently insufficient to determine the role of this variant in disease. Therefore, it has been classified as a Variant of Uncertain Significance.

Ambry Genetics
Classification: Uncertain significance for Hereditary cancer-predisposing syndrome. Last evaluated: 2025-07-18. Review status: criteria provided, single submitter. Criteria: Ambry Variant Classification Scheme 2023. Collection method: clinical testing. Allele origin: germline.
Comment: The p.S9G variant (also known as c.25A>G), located in coding exon 1 of the PRKAR1A gene, results from an A to G substitution at nucleotide position 25. The serine at codon 9 is replaced by glycine, an amino acid with similar properties. This amino acid position is not well conserved in available vertebrate species. In addition, the in silico prediction for this alteration is inconclusive. Since supporting evidence is limited at this time, the clinical significance of this alteration remains unclear.

Dasa
Classification: Uncertain significance. Last evaluated: 2025-04-16. Review status: criteria provided, single submitter. Criteria: DASA Assertion Criteria. Collection method: clinical testing. Allele origin: germline.
Comment: NM_002734.5(PRKAR1A):c.25A>G (p.Ser9Gly) is a missense variant that results in the substitution of serine with glycine. This variant is rare in population databases. The currently available literature and clinical evidence are not sufficient to establish a definitive association between this variant and the reported condition. Therefore, this variant is classified as a variant of uncertain significance.

Mendelics
Classification: Uncertain significance. Last evaluated: 2022-05-04. Review status: criteria provided, single submitter. Criteria: Mendelics Assertion Criteria 2019. Collection method: clinical testing. Allele origin: germline.

Fulgent Genetics
Classification: Uncertain significance for Acrodysostosis 1 with or without hormone resistance; Carney complex, type 1; Familial atrial myxoma; Pigmented nodular adrenocortical disease, primary, 1. Last evaluated: 2021-09-09. Review status: criteria provided, single submitter. Criteria: ACMG Guidelines, 2015. Collection method: clinical testing. Allele origin: unknown.

NM_002734.5(PRKAR1A):c.25A>G (p.Ser9Gly)

Gene: PRKAR1A (protein kinase cAMP-dependent type I regulatory subunit alpha; plus strand). Cytogenetic location: 17q24.2.
Variant type: single nucleotide variant.
Coding change: c.25A>G on transcript NM_002734.5 (MANE Select); coding-DNA position 25, A replaced by G.
Protein change: p.Ser9Gly; replaces serine 9 with glycine.
Molecular consequence: missense variant.
Genome position (GRCh38, 1-based): chr17:68,515,424, A>G. VCF-style: chr17-68515424-A-G. GRCh37 (hg19) VCF-style: chr17-66511565-A-G.
Other names: c.25A>G, p.Ser9Gly (NM_001276289.2, NM_001276290.1, NM_001278433.2 and 4 more transcripts); short protein forms S9G.
Identifiers: ClinVar variation 638955 (VCV000638955.18), dbSNP rs778468626, ClinGen allele CA400751805.